The following is an entry in ClinVar:

NM_017636.4(TRPM4):c.2198A>G (p.Glu733Gly)

Gene: TRPM4 (transient receptor potential cation channel subfamily M member 4; plus strand). Cytogenetic location: 19q13.33.
Variant type: single nucleotide variant.
Coding change: c.2198A>G on transcript NM_017636.4 (MANE Select); coding-DNA position 2198, A replaced by G.
Protein change: p.Glu733Gly; replaces glutamic acid 733 with glycine.
Molecular consequence: missense variant.
Genome position (GRCh38, 1-based): chr19:49,190,761, A>G. VCF-style: chr19-49190761-A-G. GRCh37 (hg19) VCF-style: chr19-49694018-A-G.
Other names: c.2198A>G, p.Glu733Gly (NM_001195227.2); c.1853A>G, p.Glu618Gly (NM_001321281.2); c.590A>G, p.Glu197Gly (NM_001321282.2); c.1676A>G, p.Glu559Gly (NM_001321283.2); c.1136A>G, p.Glu379Gly (NM_001321285.2); short protein forms E197G, E379G, E559G, E618G, E733G.
Identifiers: ClinVar variation 3227007 (VCV003227007.2), dbSNP rs1968382472, ClinGen allele CA406806372.

ClinVar aggregate classification (germline): Uncertain significance. Review status: criteria provided, multiple submitters, no conflicts (2 of 4 stars). 2 submissions from 2 submitters: Uncertain significance (2). Last evaluated 2025-05-11.

Conditions:
Cardiovascular phenotype. Identifiers: MedGen CN230736.
Progressive familial heart block type IB (PFHB1B). Identifiers: Orphanet 871, MedGen C1970298, MONDO:0011474, OMIM 604559.

gnomAD v4.1: 1 of 1,614,066 alleles (0.000062%); no homozygotes.

Submissions (2):

Labcorp Genetics (formerly Invitae), Labcorp
Classification: Uncertain significance for Progressive familial heart block type IB. Last evaluated: 2025-05-11. Review status: criteria provided, single submitter. Criteria: Invitae Variant Classification Sherloc (09022015). Collection method: clinical testing. Allele origin: germline.
Comment: This sequence change replaces glutamic acid, which is acidic and polar, with glycine, which is neutral and non-polar, at codon 733 of the TRPM4 protein (p.Glu733Gly). This variant is not present in population databases (gnomAD no frequency). This variant has not been reported in the literature in individuals affected with TRPM4-related conditions. ClinVar contains an entry for this variant (Variation ID: 3227007). An algorithm developed to predict the effect of missense changes on protein structure and function (PolyPhen-2) suggests that this variant is likely to be tolerated. In summary, the available evidence is currently insufficient to determine the role of this variant in disease. Therefore, it has been classified as a Variant of Uncertain Significance.

Ambry Genetics
Classification: Uncertain significance for Cardiovascular phenotype. Last evaluated: 2023-12-03. Review status: criteria provided, single submitter. Criteria: Ambry Variant Classification Scheme 2023. Collection method: clinical testing. Allele origin: germline.
Comment: The p.E733G variant (also known as c.2198A>G), located in coding exon 16 of the TRPM4 gene, results from an A to G substitution at nucleotide position 2198. The glutamic acid at codon 733 is replaced by glycine, an amino acid with similar properties. This amino acid position is conserved. In addition, this alteration is predicted to be tolerated by in silico analysis. Since supporting evidence is limited at this time, the clinical significance of this alteration remains unclear.